The following is an entry in ClinVar:

ClinVar aggregate classification (germline): Uncertain significance (1 of 4 stars; one submission).

Conditions:
Spondylocostal dysostosis 2, autosomal recessive (SCDO2). Also called: Spondylocostal dysostosis type 2; MESP2-Related Spondylocostal Dysostosis, Autosomal Recessive. Identifiers: Orphanet 2311, MedGen C1837549, MONDO:0012097, OMIM 608681.

Submission:

Myriad Genetics, Inc.
Classification: Uncertain significance for Spondylocostal dysostosis 2, autosomal recessive. Last evaluated: 2025-09-11. Review status: criteria provided, single submitter. Criteria: Myriad Autosomal Dominant, Autosomal Recessive and X-Linked Classification Criteria (2023). Collection method: clinical testing. Allele origin: unknown.
Comment: NM_001039958.1(MESP2):c.1192T>C(*398Qext*24) is a stop-loss variant that results in protein elongation classified as a variant of uncertain significance in the context of spondylothoracic dysostosis. *398Qext*24 has not been observed in cases with relevant disease. Relevant functional assessments of this variant are not available in the literature. *398Qext*24 has not been observed in referenced population frequency databases. In summary, there is insufficient evidence to classify NM_001039958.1(MESP2):c.1192T>C(*398Qext*24) as pathogenic or benign. Please note: this variant was assessed in the context of healthy population screening.

NM_001039958.2(MESP2):c.1192T>C (p.Ter398Gln)

Gene: MESP2 (mesoderm posterior bHLH transcription factor 2; plus strand). Cytogenetic location: 15q26.1.
Variant type: single nucleotide variant.
Coding change: c.1192T>C on transcript NM_001039958.2 (MANE Select); coding-DNA position 1192, T replaced by C.
Protein change: p.Ter398Gln.
Molecular consequence: stop lost.
Genome position (GRCh38, 1-based): chr15:89,778,332, T>C. VCF-style: chr15-89778332-T-C. GRCh37 (hg19) VCF-style: chr15-90321563-T-C.
Identifiers: ClinVar variation 5004162 (VCV005004162.1).